The following is an entry in ClinVar:

NM_000384.3(APOB):c.2999+6A>T

Gene: APOB (apolipoprotein B; minus strand). Cytogenetic location: 2p24.1.
Variant type: single nucleotide variant.
Coding change: c.2999+6A>T on transcript NM_000384.3 (MANE Select); 6 bases into the intron after coding-DNA position 2999, A replaced by T.
Molecular consequence: intron variant.
Genome position (GRCh38, 1-based): chr2:21,019,717, T>A on the plus strand (A>T on the coding strand, the complement: APOB is on the minus strand). VCF-style: chr2-21019717-T-A. GRCh37 (hg19) VCF-style: chr2-21242589-T-A.
Identifiers: ClinVar variation 4790808 (VCV004790808.1).
Genomic context (GRCh38, chr2:21,019,717, plus strand): 5'-GCCATGCTAGGTGGCCATGATGTGGAAGGTGAGAAAATGCTGGGTCAGGCACTGAGCATC[T>A]CTAACCTGGTGTCCCCGGTCAGCGGATAGTAGGAGGCGGAGTCTGTGGAGCTGGCGTTGG-3'

ClinVar aggregate classification (germline): Uncertain significance (1 of 4 stars; one submission).

Conditions:
Familial hypobetalipoproteinemia 1. Also called: APOB-Related Familial Hypobetalipoproteinemia; Hypobetalipoproteinemia, normotriglyceridemic; Acanthocytosis with hypobetalipoproteinemia. Identifiers: MedGen C4551990, MONDO:0014252, OMIM 615558.
Hypercholesterolemia, autosomal dominant, type B (FHCL2). Also called: APOB-Related Familial Hypercholesterolemia, Autosomal Dominant; Familial hypercholesterolemia 2; Familial Hypercholesterolemia Type B; APOLIPOPROTEIN B-100, FAMILIAL DEFECTIVE; APOLIPOPROTEIN B-100, FAMILIAL LIGAND-DEFECTIVE; HYPERCHOLESTEROLEMIA, FAMILIAL, DUE TO LIGAND-DEFECTIVE APOLIPOPROTEIN B. Identifiers: MedGen C1704417, MONDO:0007751, OMIM 144010.

gnomAD v4.1: 2 of 1,613,976 alleles (0.00012%); highest among the groups gnomAD compares: Admixed American, 0.0033%; no homozygotes.

Submission:

Labcorp Genetics (formerly Invitae), Labcorp
Classification: Uncertain significance for Familial hypobetalipoproteinemia 1; Hypercholesterolemia, autosomal dominant, type B. Last evaluated: 2025-07-09. Review status: criteria provided, single submitter. Criteria: Invitae Variant Classification Sherloc (09022015). Collection method: clinical testing. Allele origin: germline.
Comment: This sequence change falls in intron 19 of the APOB gene. It does not directly change the encoded amino acid sequence of the APOB protein. It affects a nucleotide within the consensus splice site. This variant is present in population databases (no rsID available, gnomAD 0.006%). This variant has not been reported in the literature in individuals affected with APOB-related conditions. Variants that disrupt the consensus splice site are a relatively common cause of aberrant splicing (PMID: 17576681, 9536098). Algorithms developed to predict the effect of sequence changes on RNA splicing suggest that this variant is not likely to affect RNA splicing. In summary, the available evidence is currently insufficient to determine the role of this variant in disease. Therefore, it has been classified as a Variant of Uncertain Significance.

Literature cited by the submitters: PubMed 17576681; PubMed 9536098.